The following is an entry in ClinVar:

ClinVar aggregate classification (germline): Uncertain significance (1 of 4 stars; one submission).

Conditions:
Mendelian susceptibility to mycobacterial diseases due to complete ISG15 deficiency. Also called: Immunodeficiency 38; IMMUNODEFICIENCY 38, MYCOBACTERIOSIS, AUTOSOMAL RECESSIVE; ISG15 DEFICIENCY, AUTOSOMAL RECESSIVE; Immunodeficiency 38 with basal ganglia calcification. Identifiers: Orphanet 319563, MedGen C4015293, MONDO:0014502, OMIM 616126.

Allele frequency attached by ClinVar (database versions not stated): gnomAD 0.00001; gnomAD exomes 0.00001; ExAC 0.00002; TOPMed 0.00002; ESP Exome Variant Server 0.00008.

Submission:

Labcorp Genetics (formerly Invitae), Labcorp
Classification: Uncertain significance for Mendelian susceptibility to mycobacterial diseases due to complete ISG15 deficiency. Last evaluated: 2022-07-29. Review status: criteria provided, single submitter. Criteria: Invitae Variant Classification Sherloc (09022015). Collection method: clinical testing. Allele origin: germline.
Comment: This sequence change replaces methionine, which is neutral and non-polar, with valine, which is neutral and non-polar, at codon 23 of the ISG15 protein (p.Met23Val). This variant is present in population databases (rs374095998, gnomAD 0.01%). This variant has not been reported in the literature in individuals affected with ISG15-related conditions. ClinVar contains an entry for this variant (Variation ID: 639487). Algorithms developed to predict the effect of missense changes on protein structure and function (SIFT, PolyPhen-2, Align-GVGD) all suggest that this variant is likely to be tolerated. In summary, the available evidence is currently insufficient to determine the role of this variant in disease. Therefore, it has been classified as a Variant of Uncertain Significance.

NM_005101.4(ISG15):c.67A>G (p.Met23Val)

Gene: ISG15 (ISG15 ubiquitin like modifier; plus strand). Cytogenetic location: 1p36.33.
Variant type: single nucleotide variant.
Coding change: c.67A>G on transcript NM_005101.4 (MANE Select); coding-DNA position 67, A replaced by G.
Protein change: p.Met23Val; replaces methionine 23 with valine.
Molecular consequence: missense variant.
Genome position (GRCh38, 1-based): chr1:1,014,047, A>G. VCF-style: chr1-1014047-A-G. GRCh37 (hg19) VCF-style: chr1-949427-A-G.
Other names: c.67A>G, p.Met23Val (LRG_1231t1); short protein forms M23V.
Identifiers: ClinVar variation 639487 (VCV000639487.4), dbSNP rs374095998, ClinGen allele CA507604.